The following is an entry in ClinVar:

NM_005883.3(APC2):c.6560G>A (p.Ser2187Asn)

Gene: APC2 (APC regulator of Wnt signaling pathway 2; plus strand). Cytogenetic location: 19p13.3.
Variant type: single nucleotide variant.
Coding change: c.6560G>A on transcript NM_005883.3 (MANE Select); coding-DNA position 6560, G replaced by A.
Protein change: p.Ser2187Asn; replaces serine 2187 with asparagine.
Molecular consequence: missense variant.
Genome position (GRCh38, 1-based): chr19:1,469,861, G>A. VCF-style: chr19-1469861-G-A. GRCh37 (hg19) VCF-style: chr19-1469860-G-A.
Other names: c.6557G>A, p.Ser2186Asn (NM_001351273.1); short protein forms S2186N, S2187N.
Identifiers: ClinVar variation 2351152 (VCV002351152.4), dbSNP rs766877349, ClinGen allele CA9046160.
Genomic context (GRCh38, chr19:1,469,861, plus strand): 5'-TGCCACTGCGGGGCTCCACGCCCGAGGACGCCCCGGCCGGGCCCCCGCCGCGCAAGACCA[G>A]CGACGCCGTGGTCCAGACCGAGGAGGTCGCCGCCCCCAAGACCAACTCCAGCACGTCCCC-3'
Protein context (NP_005874.1, residues 2177-2197): APAGPPPRKT[Ser2187Asn]DAVVQTEEVA

ClinVar aggregate classification (germline): Uncertain significance. Review status: criteria provided, multiple submitters, no conflicts (2 of 4 stars). 2 submissions from 2 submitters: Uncertain significance (2). Last evaluated 2026-05-04.

Conditions:
Inborn genetic diseases. Identifiers: MedGen C0950123, MeSH D030342.

Allele frequency attached by ClinVar (database versions not stated): gnomAD 0.00024; TOPMed 0.00033; gnomAD exomes 0.00053.
gnomAD v4.1: 759 of 1,521,348 alleles (0.05%); highest among the groups gnomAD compares: Non-Finnish European, 0.061%; no homozygotes.

Submissions (2):

GeneDx
Classification: Uncertain significance. Last evaluated: 2026-05-04. Review status: criteria provided, single submitter. Criteria: GeneDx Variant Classification Process June 2021. Collection method: clinical testing. Allele origin: germline.
Comment: In silico analysis suggests that this missense variant does not alter protein structure/function; Has not been previously published as pathogenic or benign to our knowledge

Ambry Genetics
Classification: Uncertain significance for Inborn genetic diseases. Last evaluated: 2023-09-27. Review status: criteria provided, single submitter. Criteria: Ambry Variant Classification Scheme 2023. Collection method: clinical testing. Allele origin: germline.